The following is an entry in ClinVar:

NM_001308120.2(TOGARAM1):c.2329C>T (p.Gln777Ter)

Gene: TOGARAM1 (TOG array regulator of axonemal microtubules 1; plus strand). Cytogenetic location: 14q21.2.
Variant type: single nucleotide variant.
Coding change: c.2329C>T on transcript NM_001308120.2 (MANE Select); coding-DNA position 2329, C replaced by T.
Protein change: p.Gln777Ter; replaces glutamine 777 with a stop codon.
Molecular consequence: nonsense. On other transcripts: non-coding transcript variant (1).
Genome position (GRCh38, 1-based): chr14:44,999,488, C>T. VCF-style: chr14-44999488-C-T. GRCh37 (hg19) VCF-style: chr14-45468691-C-T.
Other names: c.2329C>T, p.Gln777Ter (NM_015091.4); short protein forms Q777*.
Identifiers: ClinVar variation 2644202 (VCV002644202.24), dbSNP rs990850363, ClinGen allele CA259593995.

ClinVar aggregate classification (germline): Likely pathogenic (1 of 4 stars; one submission).

Allele frequency attached by ClinVar (database versions not stated): gnomAD exomes below 0.00001; TOPMed 0.00004; gnomAD 0.00005.
gnomAD v4.1: 12 of 1,599,366 alleles (0.00075%); highest among the groups gnomAD compares: African/African-American, 0.013%; no homozygotes.

Submission:

CeGaT Center for Human Genetics Tuebingen
Classification: Likely pathogenic. Last evaluated: 2022-04-01. Review status: criteria provided, single submitter. Criteria: CeGaT Center For Human Genetics Tuebingen Variant Classification Criteria Version 2. Collection method: clinical testing. Allele origin: germline. Affected: yes. Observed: 1 variant allele.
Comment: TOGARAM1: PVS1